The following is an entry in ClinVar:

NM_000264.5(PTCH1):c.3595G>T (p.Glu1199Ter)

Gene: PTCH1 (patched 1; minus strand). Cytogenetic location: 9q22.32.
Variant type: single nucleotide variant.
Coding change: c.3595G>T on transcript NM_000264.5 (MANE Select); coding-DNA position 3595, G replaced by T.
Protein change: p.Glu1199Ter; replaces glutamic acid 1199 with a stop codon.
Molecular consequence: nonsense. On other transcripts: non-coding transcript variant (1).
Genome position (GRCh38, 1-based): chr9:95,449,278, C>A on the plus strand (G>T on the coding strand, the complement: PTCH1 is on the minus strand). VCF-style: chr9-95449278-C-A. GRCh37 (hg19) VCF-style: chr9-98211560-C-A.
Other names: c.3397G>T, p.Glu1133Ter (NM_001083602.3); c.3592G>T, p.Glu1198Ter (NM_001083603.3); c.3142G>T, p.Glu1048Ter (NM_001083604.3, NM_001083605.3, NM_001083606.3 and 1 more transcripts); c.3439G>T, p.Glu1147Ter (NM_001354918.2); short protein forms E1133*, E1198*, E1199*, E1147*, E1048*.
Identifiers: ClinVar variation 4842291 (VCV004842291.1).

ClinVar aggregate classification (germline): Uncertain significance (1 of 4 stars; one submission).

Conditions:
Hereditary cancer-predisposing syndrome. Also called: Neoplastic Syndromes, Hereditary; Tumor predisposition; Hereditary Cancer Syndrome; Hereditary neoplastic syndrome. Identifiers: Orphanet 140162, MedGen C0027672, MeSH D009386, MONDO:0015356.

Submission:

Ambry Genetics
Classification: Uncertain significance for Hereditary cancer-predisposing syndrome. Last evaluated: 2026-01-08. Review status: criteria provided, single submitter. Criteria: Ambry Variant Classification Scheme 2023. Collection method: clinical testing. Allele origin: germline.
Comment: The p.E1199* variant (also known as c.3595G>T), located in coding exon 22 of the PTCH1 gene, results from a G to T substitution at nucleotide position 3595. This changes the amino acid from a glutamic acid to a stop codon within coding exon 22. This alteration is expected to result in loss of function by premature protein truncation or nonsense-mediated mRNA decay. However, it occurs near the 3' terminus of PTCH1 where no known functional domains are located. Alterations in this region have been observed in individuals who do not have a personal or family history that is consistent with or suggestive of PTCH1-associated disease (Ambry internal data). Based on the available evidence, the clinical significance of this variant remains unclear.